The following is an entry in ClinVar:

NM_003331.5(TYK2):c.1897C>T (p.Arg633Cys)

Gene: TYK2 (tyrosine kinase 2; minus strand). Cytogenetic location: 19p13.2.
Variant type: single nucleotide variant.
Coding change: c.1897C>T on transcript NM_003331.5 (MANE Select); coding-DNA position 1897, C replaced by T.
Protein change: p.Arg633Cys; replaces arginine 633 with cysteine.
Molecular consequence: missense variant. On other transcripts: intron variant (1).
Genome position (GRCh38, 1-based): chr19:10,361,832, G>A on the plus strand (C>T on the coding strand, the complement: TYK2 is on the minus strand). VCF-style: chr19-10361832-G-A. GRCh37 (hg19) VCF-style: chr19-10472508-G-A.
Other names: c.1897C>T, p.Arg633Cys (NM_001385197.1, NM_001385198.1, NM_001385200.1 and 3 more transcripts); c.1699C>T, p.Arg567Cys (NM_001385201.1); c.1813C>T, p.Arg605Cys (NM_001385202.1); c.1807C>T, p.Arg603Cys (NM_001385205.1); c.1771C>T, p.Arg591Cys (NM_001385206.1); c.1879C>T, p.Arg627Cys (NM_001385207.1); c.1774-234C>T (NM_001385199.1); short protein forms R567C, R605C, R627C, R603C, R633C, R591C.
Identifiers: ClinVar variation 2915374 (VCV002915374.1), dbSNP rs772558245, ClinGen allele CA9193260.

ClinVar aggregate classification (germline): Uncertain significance (1 of 4 stars; one submission).

Conditions:
Immunodeficiency 35 (IMD35). Also called: HIES WITH ATYPICAL MYCOBACTERIOSIS, AUTOSOMAL RECESSIVE; HYPER-IgE SYNDROME WITH ATYPICAL MYCOBACTERIOSIS, AUTOSOMAL RECESSIVE; TYK2 DEFICIENCY; Susceptibility to infection due to TYK2 deficiency. Identifiers: Orphanet 331226, MedGen C1969086, MONDO:0012682, OMIM 611521.

Allele frequency attached by ClinVar (database versions not stated): TOPMed below 0.00001; gnomAD 0.00001; ExAC 0.00002.

Submission:

Labcorp Genetics (formerly Invitae), Labcorp
Classification: Uncertain significance for Immunodeficiency 35. Last evaluated: 2024-01-01. Review status: criteria provided, single submitter. Criteria: Invitae Variant Classification Sherloc (09022015). Collection method: clinical testing. Allele origin: germline.
Comment: This sequence change replaces arginine, which is basic and polar, with cysteine, which is neutral and slightly polar, at codon 633 of the TYK2 protein (p.Arg633Cys). This variant is present in population databases (rs772558245, gnomAD 0.006%). This variant has not been reported in the literature in individuals affected with TYK2-related conditions. Advanced modeling of protein sequence and biophysical properties (such as structural, functional, and spatial information, amino acid conservation, physicochemical variation, residue mobility, and thermodynamic stability) performed at Invitae indicates that this missense variant is not expected to disrupt TYK2 protein function with a negative predictive value of 80%. In summary, the available evidence is currently insufficient to determine the role of this variant in disease. Therefore, it has been classified as a Variant of Uncertain Significance.